The following is an entry in ClinVar:

NM_004366.6(CLCN2):c.595G>A (p.Gly199Arg)

Gene: CLCN2 (chloride voltage-gated channel 2; minus strand). Cytogenetic location: 3q27.1.
Variant type: single nucleotide variant.
Coding change: c.595G>A on transcript NM_004366.6 (MANE Select); coding-DNA position 595, G replaced by A.
Protein change: p.Gly199Arg; replaces glycine 199 with arginine.
Molecular consequence: missense variant.
Genome position (GRCh38, 1-based): chr3:184,357,982, C>T on the plus strand (G>A on the coding strand, the complement: CLCN2 is on the minus strand). VCF-style: chr3-184357982-C-T. GRCh37 (hg19) VCF-style: chr3-184075770-C-T.
Other names: c.595G>A, p.Gly199Arg (NM_001171087.3, NM_001171089.3); c.463G>A, p.Gly155Arg (NM_001171088.3); short protein forms G199R, G155R.
Identifiers: ClinVar variation 3493306 (VCV003493306.6).
Genomic context (GRCh38, chr3:184,357,982, plus strand): 5'-CCACCAGGAGGGACTCCTTCATTCCCCAGCCTGCAGTTACCTCTTTGCCAAGCGGCATCC[C>T]GCTGCCTAGGGCGCAGGTCAGCCCAATGACCTTAGCTATAAAGGTCTTGAGTGTGAGGTA-3'
Protein context (NP_004357.3, residues 189-209): VIGLTCALGS[Gly199Arg]MPLGKEGPFV

ClinVar aggregate classification (germline): Uncertain significance. Review status: criteria provided, multiple submitters, no conflicts (2 of 4 stars). 4 submissions from 4 submitters: Uncertain significance (4). Last evaluated 2026-04-22.

Conditions:
Inborn genetic diseases. Identifiers: MedGen C0950123, MeSH D030342.

gnomAD v4.1: 20 of 1,613,944 alleles (0.0012%); highest among the groups gnomAD compares: Middle Eastern, 0.016%; no homozygotes.

Submissions (4):

Dasa
Classification: Uncertain significance. Last evaluated: 2026-04-22. Review status: criteria provided, single submitter. Criteria: DASA Assertion Criteria. Collection method: clinical testing. Allele origin: germline.
Comment: NM_004366.6(CLCN2):c.595G>A (p.Gly199Arg) is a missense variant that results in the substitution of glycine with arginine. This variant is rare in population databases. Computational prediction algorithms are consistent with a deleterious effect. The currently available literature and clinical evidence are not sufficient to establish a definitive association between this variant and the reported condition. Therefore, this variant is classified as a variant of uncertain significance.

Labcorp Genetics (formerly Invitae), Labcorp
Classification: Uncertain significance. Last evaluated: 2025-08-03. Review status: criteria provided, single submitter. Criteria: Invitae Variant Classification Sherloc (09022015). Collection method: clinical testing. Allele origin: germline.
Comment: This sequence change replaces glycine, which is neutral and non-polar, with arginine, which is basic and polar, at codon 199 of the CLCN2 protein (p.Gly199Arg). This variant is present in population databases (rs762541313, gnomAD 0.006%). This variant has not been reported in the literature in individuals affected with CLCN2-related conditions. ClinVar contains an entry for this variant (Variation ID: 3493306). Invitae Evidence Modeling of protein sequence and biophysical properties (such as structural, functional, and spatial information, amino acid conservation, physicochemical variation, residue mobility, and thermodynamic stability) has been performed for this missense variant. However, the output from this modeling did not meet the statistical confidence thresholds required to predict the impact of this variant on CLCN2 protein function. In summary, the available evidence is currently insufficient to determine the role of this variant in disease. Therefore, it has been classified as a Variant of Uncertain Significance.

Ambry Genetics
Classification: Uncertain significance for Inborn genetic diseases. Last evaluated: 2024-09-03. Review status: criteria provided, single submitter. Criteria: Ambry Variant Classification Scheme 2023. Collection method: clinical testing. Allele origin: germline.

Blueprint Genetics
Classification: Uncertain significance. Last evaluated: 2023-08-17. Review status: criteria provided, single submitter. Criteria: ACMG Guidelines, 2015. Collection method: clinical testing. Allele origin: germline.